The following is an entry in ClinVar:

NM_004006.3(DMD):c.6912+4A>C

Gene: DMD (dystrophin; minus strand). Cytogenetic location: Xp21.1.
Variant type: single nucleotide variant.
Coding change: c.6912+4A>C on transcript NM_004006.3 (MANE Select); 4 bases into the intron after coding-DNA position 6912, A replaced by C.
Molecular consequence: intron variant.
Genome position (GRCh38, 1-based): chrX:31,929,592, T>G on the plus strand (A>C on the coding strand, the complement: DMD is on the minus strand). VCF-style: chrX-31929592-T-G. GRCh37 (hg19) VCF-style: chrX-31947709-T-G.
Other names: c.6888+4A>C (NM_000109.4); c.2889+4A>C (NM_004011.4); c.2880+4A>C (NM_004012.4); c.-469+4A>C (NM_004023.3, NM_004020.4, NM_004022.3 and 2 more transcripts); c.6900+4A>C (NM_004009.3); c.6543+4A>C (NM_004010.3).
Identifiers: ClinVar variation 2758024 (VCV002758024.3), dbSNP rs2533415109, ClinGen allele CA2697552940.

ClinVar aggregate classification (germline): Uncertain significance (1 of 4 stars; one submission).

Conditions:
Duchenne muscular dystrophy (DMD). Also called: MUSCULAR DYSTROPHY, PSEUDOHYPERTROPHIC PROGRESSIVE, DUCHENNE TYPE; Duchenne Muscular Dystrophy (DMD). Identifiers: Orphanet 98896, MedGen C0013264, MONDO:0010679, OMIM 310200.

Submission:

Labcorp Genetics (formerly Invitae), Labcorp
Classification: Uncertain significance for Duchenne muscular dystrophy. Last evaluated: 2024-01-26. Review status: criteria provided, single submitter. Criteria: Invitae Variant Classification Sherloc (09022015). Collection method: clinical testing. Allele origin: germline.
Comment: This sequence change falls in intron 47 of the DMD gene. It does not directly change the encoded amino acid sequence of the DMD protein. It affects a nucleotide within the consensus splice site. This variant is not present in population databases (gnomAD no frequency). This variant has not been reported in the literature in individuals affected with DMD-related conditions. Variants that disrupt the consensus splice site are a relatively common cause of aberrant splicing (PMID: 17576681, 9536098). Algorithms developed to predict the effect of sequence changes on RNA splicing suggest that this variant is not likely to affect RNA splicing. In summary, the available evidence is currently insufficient to determine the role of this variant in disease. Therefore, it has been classified as a Variant of Uncertain Significance.

Literature cited by the submitters: PubMed 17576681; PubMed 9536098.